The following is an entry in ClinVar:

ClinVar aggregate classification (germline): Uncertain significance (1 of 4 stars; one submission).

Allele frequency attached by ClinVar (database versions not stated): gnomAD 0.00001; gnomAD exomes 0.00001 and 0.00002; ExAC 0.00002; TOPMed 0.00002.
gnomAD v4.1: 21 of 1,613,978 alleles (0.0013%); highest among the groups gnomAD compares: Middle Eastern, 0.016%; no homozygotes.

Submission:

Labcorp Genetics (formerly Invitae), Labcorp
Classification: Uncertain significance. Last evaluated: 2025-11-10. Review status: criteria provided, single submitter. Criteria: Invitae Variant Classification Sherloc (09022015). Collection method: clinical testing. Allele origin: germline.
Comment: This sequence change replaces asparagine, which is neutral and polar, with histidine, which is basic and polar, at codon 151 of the ABHD12 protein (p.Asn151His). This variant is present in population databases (rs759228453, gnomAD 0.002%). This variant has not been reported in the literature in individuals affected with ABHD12-related conditions. ClinVar contains an entry for this variant (Variation ID: 1059093). An algorithm developed to predict the effect of missense changes on protein structure and function (PolyPhen-2) suggests that this variant is likely to be tolerated. In summary, the available evidence is currently insufficient to determine the role of this variant in disease. Therefore, it has been classified as a Variant of Uncertain Significance.

NM_001042472.3(ABHD12):c.451A>C (p.Asn151His)

Gene: ABHD12 (abhydrolase domain containing 12, lysophospholipase; minus strand). Cytogenetic location: 20p11.21.
Variant type: single nucleotide variant.
Coding change: c.451A>C on transcript NM_001042472.3 (MANE Select); coding-DNA position 451, A replaced by C.
Protein change: p.Asn151His; replaces asparagine 151 with histidine.
Molecular consequence: missense variant.
Genome position (GRCh38, 1-based): chr20:25,320,290, T>G on the plus strand (A>C on the coding strand, the complement: ABHD12 is on the minus strand). VCF-style: chr20-25320290-T-G. GRCh37 (hg19) VCF-style: chr20-25300926-T-G.
Other names: c.451A>C, p.Asn151His (NM_015600.5); short protein forms N151H.
Identifiers: ClinVar variation 1059093 (VCV001059093.8), dbSNP rs759228453, ClinGen allele CA9796140.